The following is an entry in ClinVar:

NM_001184.4(ATR):c.3913A>T (p.Thr1305Ser)

Gene: ATR (ATR checkpoint kinase; minus strand). Cytogenetic location: 3q23.
Variant type: single nucleotide variant.
Coding change: c.3913A>T on transcript NM_001184.4 (MANE Select); coding-DNA position 3913, A replaced by T.
Protein change: p.Thr1305Ser; replaces threonine 1305 with serine.
Molecular consequence: missense variant.
Genome position (GRCh38, 1-based): chr3:142,535,112, T>A on the plus strand (A>T on the coding strand, the complement: ATR is on the minus strand). VCF-style: chr3-142535112-T-A. GRCh37 (hg19) VCF-style: chr3-142253954-T-A.
Other names: c.3721A>T, p.Thr1241Ser (NM_001354579.2); short protein forms T1241S, T1305S.
Identifiers: ClinVar variation 3221148 (VCV003221148.1), dbSNP rs2473304191, ClinGen allele CA354805921.

ClinVar aggregate classification (germline): Uncertain significance (1 of 4 stars; one submission).

Conditions:
Inborn genetic diseases. Identifiers: MedGen C0950123, MeSH D030342.

gnomAD v4.1: 1 of 1,613,070 alleles (0.000062%); no homozygotes.

Submission:

Ambry Genetics
Classification: Uncertain significance for Inborn genetic diseases. Last evaluated: 2024-01-17. Review status: criteria provided, single submitter. Criteria: Ambry Variant Classification Scheme 2023. Collection method: clinical testing. Allele origin: germline.
Comment: The p.T1305S variant (also known as c.3913A>T), located in coding exon 21 of the ATR gene, results from an A to T substitution at nucleotide position 3913. The threonine at codon 1305 is replaced by serine, an amino acid with similar properties. This amino acid position is conserved. In addition, this alteration is predicted to be tolerated by in silico analysis. Based on the available evidence, the clinical significance of this alteration remains unclear.